The following is an entry in ClinVar:

ClinVar aggregate classification (germline): Uncertain significance (1 of 4 stars; one submission).

Conditions:
Pontocerebellar hypoplasia type 2D (PCH2D). Also called: Progressive cerebello-cerebral atrophy. Identifiers: Orphanet 247198, Orphanet 2524, MedGen C3151140, MONDO:0013438, OMIM 613811.

Submission:

Institute of Human Genetics, University of Leipzig Medical Center
Classification: Uncertain significance for Pontocerebellar hypoplasia type 2D. Last evaluated: 2024-02-06. Review status: criteria provided, single submitter. Criteria: ACMG Guidelines, 2015. Collection method: clinical testing. Allele origin: paternal. Inheritance: Autosomal recessive inheritance. Affected: yes.
Comment: Criteria applied: PM2_SUP

NM_016955.4(SEPSECS):c.238G>A (p.Ala80Thr)

Gene: SEPSECS (Sep (O-phosphoserine) tRNA:Sec (selenocysteine) tRNA synthase; minus strand). Cytogenetic location: 4p15.2.
Variant type: single nucleotide variant.
Coding change: c.238G>A on transcript NM_016955.4 (MANE Select); coding-DNA position 238, G replaced by A.
Protein change: p.Ala80Thr; replaces alanine 80 with threonine.
Molecular consequence: missense variant.
Genome position (GRCh38, 1-based): chr4:25,158,984, C>T on the plus strand (G>A on the coding strand, the complement: SEPSECS is on the minus strand). VCF-style: chr4-25158984-C-T. GRCh37 (hg19) VCF-style: chr4-25160606-C-T.
Other names: c.493G>A, p.Ala165Thr (NM_001410714.1); c.238G>A, p.Ala80Thr (NM_153825.2); short protein forms A165T, A80T.
Identifiers: ClinVar variation 3024394 (VCV003024394.2), dbSNP rs2474687410, ClinGen allele CA356543294.